The following is an entry in ClinVar:

ClinVar aggregate classification (germline): Uncertain significance. Review status: criteria provided, multiple submitters, no conflicts (2 of 4 stars). 2 submissions from 2 submitters: Uncertain significance (2). Last evaluated 2024-03-21.

Conditions:
Inborn genetic diseases. Identifiers: MedGen C0950123, MeSH D030342.
Progressive myoclonic epilepsy type 7. Identifiers: Orphanet 435438, MedGen C4015420, MONDO:0014521, OMIM 616187.

Submissions (2):

Ambry Genetics
Classification: Uncertain significance for Inborn genetic diseases. Last evaluated: 2024-03-21. Review status: criteria provided, single submitter. Criteria: Ambry Variant Classification Scheme 2023. Collection method: clinical testing. Allele origin: germline.
Comment: The c.223A>G (p.K75E) alteration is located in exon 1 (coding exon 1) of the KCNC1 gene. This alteration results from an A to G substitution at nucleotide position 223, causing the lysine (K) at amino acid position 75 to be replaced by a glutamic acid (E). This variant was not reported in population-based cohorts in the Genome Aggregation Database (gnomAD). This amino acid position is highly conserved in available vertebrate species. This missense alteration is located in a region that has a low rate of benign missense variation (Lek, 2016; Firth, 2009). This alteration is predicted to be deleterious by in silico analysis. Based on insufficient or conflicting evidence, the clinical significance of this alteration remains unclear.

Labcorp Genetics (formerly Invitae), Labcorp
Classification: Uncertain significance for Progressive myoclonic epilepsy type 7. Last evaluated: 2023-10-06. Review status: criteria provided, single submitter. Criteria: Invitae Variant Classification Sherloc (09022015). Collection method: clinical testing. Allele origin: germline.
Comment: This sequence change replaces lysine, which is basic and polar, with glutamic acid, which is acidic and polar, at codon 75 of the KCNC1 protein (p.Lys75Glu). This variant is not present in population databases (gnomAD no frequency). This variant has not been reported in the literature in individuals affected with KCNC1-related conditions. ClinVar contains an entry for this variant (Variation ID: 582490). Advanced modeling of protein sequence and biophysical properties (such as structural, functional, and spatial information, amino acid conservation, physicochemical variation, residue mobility, and thermodynamic stability) performed at Invitae indicates that this missense variant is not expected to disrupt KCNC1 protein function. In summary, the available evidence is currently insufficient to determine the role of this variant in disease. Therefore, it has been classified as a Variant of Uncertain Significance.

NM_001112741.2(KCNC1):c.223A>G (p.Lys75Glu)

Gene: KCNC1 (potassium voltage-gated channel subfamily C member 1; plus strand). Cytogenetic location: 11p15.1.
Variant type: single nucleotide variant.
Coding change: c.223A>G on transcript NM_001112741.2 (MANE Select); coding-DNA position 223, A replaced by G.
Protein change: p.Lys75Glu; replaces lysine 75 with glutamic acid.
Molecular consequence: missense variant.
Genome position (GRCh38, 1-based): chr11:17,736,225, A>G. VCF-style: chr11-17736225-A-G. GRCh37 (hg19) VCF-style: chr11-17757772-A-G.
Other names: c.223A>G, p.Lys75Glu (NM_004976.4); short protein forms K75E.
Identifiers: ClinVar variation 582490 (VCV000582490.10), dbSNP rs1565152713, ClinGen allele CA379799679.